The following is an entry in ClinVar:

NC_000004.11:g.(?_158091564)_(158091880_?)del

Gene: GLRB (glycine receptor beta; plus strand). Cytogenetic location: 4q32.1.
Variant type: Deletion.
Identifiers: ClinVar variation 3246671 (VCV003246671.1).

ClinVar aggregate classification (germline): Likely pathogenic (1 of 4 stars; one submission).

Conditions:
Hyperekplexia 2 (HKPX2). Identifiers: Orphanet 3197, MedGen C3553291, MONDO:0013828, OMIM 614619.

Submission:

Labcorp Genetics (formerly Invitae), Labcorp
Classification: Likely pathogenic for Hyperekplexia 2. Last evaluated: 2023-08-16. Review status: criteria provided, single submitter. Criteria: Invitae Variant Classification Sherloc (09022015). Collection method: clinical testing. Allele origin: unknown.
Comment: This variant is a gross deletion of the genomic region encompassing exon(s) 10 of the GLRB gene, which includes the termination codon. This deletion extends beyond the assayed region for this gene and therefore may encompass additional genes. While this deletion is not anticipated to lead to nonsense mediated decay, it is expected to alter mRNA translation or result in a truncated protein product. A similar copy number variant has been observed in individual(s) with hyperekplexia (Invitae). This variant disrupts the C-terminus of the GLRB protein. Other variant(s) that disrupt this region (p.Arg472*, p.Val408Serfs*5, p.Tyr492Cys) have been observed in individuals with GLRB-related conditions (PMID: 23184146; Invitae). This suggests that this may be a clinically significant region of the protein. In summary, the currently available evidence indicates that the variant is pathogenic, but additional data are needed to prove that conclusively. Therefore, this variant has been classified as Likely Pathogenic.

Literature cited by the submitters: PubMed 23184146.